The following is an entry in ClinVar:

NM_017934.7(PHIP):c.3903+7_3903+8del

Genes: IRAK1BP1 (interleukin 1 receptor associated kinase 1 binding protein 1; plus strand), PHIP (PHIP subunit of CUL4-Ring ligase complex; minus strand). Cytogenetic location: 6q14.1.
Variant type: Microsatellite.
Coding change: c.3903+7_3903+8del on transcript NM_017934.7 (MANE Select); bases 7 to 8 of the intron after coding-DNA position 3903, 2 bases deleted (TA; older notation c.3903+7_3903+8delTA).
Molecular consequence: intron variant.
Genome position (GRCh38, 1-based): chr6:78,955,224-78,955,225, TA deleted on the plus strand (TA on the coding strand, the reverse complement: PHIP is on the minus strand); deleting any 2 consecutive bases within chr6:78,955,224-78,955,228 gives the same sequence; the c. name uses the placement nearest the transcript's 3' end. VCF-style (leftmost placement, unchanged base first): chr6-78955223-CTA-C. GRCh37 (hg19) VCF-style: chr6-79664940-CTA-C.
Other names: c.3903+7_3903+8delTA (NM_017934.6).
Identifiers: ClinVar variation 4808218 (VCV004808218.2).
Genomic context (GRCh38, chr6:78,955,223, plus strand): 5'-AAATAAAGAAAGCTCTTAATACATTTTAATTCATATAAAGTACTTCTGCTAAAACTAAAA[CTA>C]TATTACCTTCCTTTTTCGAGTAGAAGTTCCTGGCACATCAGCATCTTTCTCTTCATCCTT-3'

ClinVar aggregate classification (germline): Likely benign. Review status: criteria provided, multiple submitters, no conflicts (2 of 4 stars). 2 submissions from 2 submitters: Likely benign (2). Last evaluated 2026-05-13.

Conditions:
PHIP-related disorder. Also called: PHIP-related condition; PHIP-related disorders.

Submissions (2):

PreventionGenetics, part of Exact Sciences
Classification: Likely benign for PHIP-related condition. Last evaluated: 2026-05-13. Review status: criteria provided, single submitter. Criteria: ACMG Guidelines, 2015. Collection method: clinical testing. Allele origin: germline.
Comment: This variant is classified as likely benign based on ACMG/AMP sequence variant interpretation guidelines (Richards et al. 2015 PMID: 25741868, with internal and published modifications).

Labcorp Genetics (formerly Invitae), Labcorp
Classification: Likely benign. Last evaluated: 2025-10-16. Review status: criteria provided, single submitter. Criteria: Invitae Variant Classification Sherloc (09022015). Collection method: clinical testing. Allele origin: germline.